The following is an entry in ClinVar:

ClinVar aggregate classification (germline): Pathogenic/Likely pathogenic. Review status: criteria provided, multiple submitters, no conflicts (2 of 4 stars). 2 submissions from 2 submitters: Pathogenic (1); Likely pathogenic (1). Last evaluated 2020-12-04.

Conditions:
Legius syndrome. Identifiers: Orphanet 137605, MedGen C1969623, MONDO:0012669, OMIM 611431. Disease mechanism: loss of function.

Submissions (2):

Labcorp Genetics (formerly Invitae), Labcorp
Classification: Pathogenic for Legius syndrome. Last evaluated: 2020-12-04. Review status: criteria provided, single submitter. Criteria: Invitae Variant Classification Sherloc (09022015). Collection method: clinical testing. Allele origin: germline.
Comment: This sequence change results in a premature translational stop signal in the SPRED1 gene (p.Leu302Valfs*16). While this is not anticipated to result in nonsense mediated decay, it is expected to disrupt the last 143 amino acids of the SPRED1 protein. This variant is not present in population databases (ExAC no frequency). This variant has not been reported in the literature in individuals with SPRED1-related conditions. ClinVar contains an entry for this variant (Variation ID: 817884). This variant disrupts the C-terminus of the SPRED1 protein. Other variant(s) that disrupt this region (p.Arg325*) have been determined to be pathogenic (PMID: 17704776, 25883013). This suggests that variants that disrupt this region of the protein are likely to be causative of disease. For these reasons, this variant has been classified as Pathogenic.

GeneDx
Classification: Likely pathogenic. Last evaluated: 2019-10-28. Review status: criteria provided, single submitter. Criteria: GeneDx Variant Classification Process June 2021. Collection method: clinical testing. Allele origin: germline. Affected: yes.
Comment: Frameshift variant in the C-terminus predicted to result in protein truncation, as the last 143 amino acids are lost and replaced with 15 incorrect amino acids (Stenson et al., 2014); Has not been previously published as pathogenic or benign to our knowledge; Not observed in large population cohorts (Lek et al., 2016)

Literature cited by the submitters: PubMed 17704776 (cited by Labcorp Genetics (formerly Invitae), Labcorp); PubMed 25883013 (cited by Labcorp Genetics (formerly Invitae), Labcorp).

NM_152594.3(SPRED1):c.903_906del (p.Leu302fs)

Gene: SPRED1 (sprouty related EVH1 domain containing 1; plus strand). Cytogenetic location: 15q14.
Variant type: Deletion.
Coding change: c.903_906del on transcript NM_152594.3 (MANE Select); coding-DNA positions 903 to 906, 4 bases deleted (GTTA; older notation c.903_906delGTTA).
Protein change: p.Leu302fs; shifts the reading frame from leucine 302.
Molecular consequence: frameshift variant.
Genome position (GRCh38, 1-based): chr15:38,351,232-38,351,235, GTTA deleted; deleting any 4 consecutive bases within chr15:38,351,231-38,351,235 gives the same sequence; the c. name uses the placement nearest the transcript's 3' end. VCF-style (leftmost placement, unchanged base first): chr15-38351230-AAGTT-A. GRCh37 (hg19) VCF-style: chr15-38643431-AAGTT-A.
Other names: c.903_906del (NM_152594.2); short protein forms L302fs.
Identifiers: ClinVar variation 817884 (VCV000817884.12), dbSNP rs1595763662, ClinGen allele CA915946531.
Genomic context (GRCh38, chr15:38,351,230, plus strand): 5'-CAGTTTTCTAAACCAGACAGTAAAAAATCAGACTATCTGTACTCTTGTGGGGATGAGACT[AAGTT>A]AAGTTCACCCAAAGACTCTGTGGTATTTAAGACGCAGCCTTCCTCATTAAAAATTAAGAA-3'